The following is an entry in ClinVar:

ClinVar aggregate classification (germline): Uncertain significance (1 of 4 stars; one submission).

Conditions:
Dystonia 25 (DYT25). Also called: DYT-GNAL. Identifiers: Orphanet 329466, MedGen C4304670, MONDO:0014033, OMIM 615073.

gnomAD v4.1: 1 of 1,585,256 alleles (0.000063%); highest among the groups gnomAD compares: Middle Eastern, 0.018%; no homozygotes.

Submission:

Institute of Human Genetics, University of Goettingen
Classification: Uncertain significance for Dystonia 25. Last evaluated: 2024-02-14. Review status: criteria provided, single submitter. Criteria: ACMG Guidelines, 2015. Collection method: clinical testing. Allele origin: unknown. Inheritance: Autosomal dominant inheritance. Observed: 1 heterozygote.
Comment: The variant c.145+14G>C (p.?) in exon 2 of the GNAL gene is not found in the gnomAD database and it affects a weakly conserved nucleotide. In silico splice prediction programs suggest no impact splicing impact. The available evidence is currently insufficient to determine the role of this variant in disease. ACMG criteria used for classification: PM2_supp, BP4.

NM_182978.4(GNAL):c.377-261G>C

Gene: GNAL (G protein subunit alpha L; plus strand). Cytogenetic location: 18p11.21.
Variant type: single nucleotide variant.
Coding change: c.377-261G>C on transcript NM_182978.4 (MANE Select); 261 bases into the intron before coding-DNA position 377, G replaced by C.
Molecular consequence: intron variant.
Genome position (GRCh38, 1-based): chr18:11,752,592, G>C. VCF-style: chr18-11752592-G-C. GRCh37 (hg19) VCF-style: chr18-11752591-G-C.
Other names: c.145+14G>C (NM_001261443.2, NM_001142339.3, NM_001369387.1).
Identifiers: ClinVar variation 2920750 (VCV002920750.1), dbSNP rs2510259762, ClinGen allele CA2641028474.